The following is an entry in ClinVar:

ClinVar aggregate classification (germline): Uncertain significance (1 of 4 stars; one submission).

gnomAD v4.1: 25 of 1,529,720 alleles (0.0016%); highest among the groups gnomAD compares: Non-Finnish European, 0.0022%; no homozygotes.

Submission:

Labcorp Genetics (formerly Invitae), Labcorp
Classification: Uncertain significance. Last evaluated: 2023-12-27. Review status: criteria provided, single submitter. Criteria: Invitae Variant Classification Sherloc (09022015). Collection method: clinical testing. Allele origin: germline.
Comment: This sequence change replaces arginine, which is basic and polar, with proline, which is neutral and non-polar, at codon 1198 of the MYH7B protein (p.Arg1198Pro). This variant is present in population databases (no rsID available, gnomAD 0.007%). This variant has not been reported in the literature in individuals affected with MYH7B-related conditions. Advanced modeling of protein sequence and biophysical properties (such as structural, functional, and spatial information, amino acid conservation, physicochemical variation, residue mobility, and thermodynamic stability) performed at Invitae indicates that this missense variant is expected to disrupt MYH7B protein function with a positive predictive value of 80%. In summary, the available evidence is currently insufficient to determine the role of this variant in disease. Therefore, it has been classified as a Variant of Uncertain Significance.

NM_020884.7(MYH7B):c.3467G>C (p.Arg1156Pro)

Gene: MYH7B (myosin heavy chain 7B; plus strand). Cytogenetic location: 20q11.22.
Variant type: single nucleotide variant.
Coding change: c.3467G>C on transcript NM_020884.7 (MANE Select); coding-DNA position 3467, G replaced by C.
Protein change: p.Arg1156Pro; replaces arginine 1156 with proline.
Molecular consequence: missense variant.
Genome position (GRCh38, 1-based): chr20:34,997,360, G>C. VCF-style: chr20-34997360-G-C. GRCh37 (hg19) VCF-style: chr20-33585163-G-C.
Other names: short protein forms R1156P.
Identifiers: ClinVar variation 2957148 (VCV002957148.3), dbSNP rs771375032, ClinGen allele CA313481830.
Genomic context (GRCh38, chr20:34,997,360, plus strand): 5'-GGGCCCGCGTGGAGAAGCAGCGTGCAGAGGCGGCGCGGGAGCTGGAGGAGCTGAGCGAGC[G>C]GCTGGAGGAGGCAGGCGGCGCATCCGCGGGGCAGCGCGAGGGCTGCCGCAAGCGGGAGGC-3'
Protein context (NP_065935.4, residues 1146-1166): AARELEELSE[Arg1156Pro]LEEAGGASAG